The following is an entry in ClinVar:

NM_000290.4(PGAM2):c.14G>A (p.Arg5His)

Genes: DBNL (drebrin like; plus strand), PGAM2 (phosphoglycerate mutase 2; minus strand). Cytogenetic location: 7p13.
Variant type: single nucleotide variant.
Coding change: c.14G>A on transcript NM_000290.4 (MANE Select); coding-DNA position 14, G replaced by A.
Protein change: p.Arg5His; replaces arginine 5 with histidine.
Molecular consequence: missense variant. On other transcripts: 3 prime UTR variant (6).
Genome position (GRCh38, 1-based): chr7:44,065,516, C>T on the plus strand (G>A on the coding strand, the complement: PGAM2 is on the minus strand). VCF-style: chr7-44065516-C-T. GRCh37 (hg19) VCF-style: chr7-44105115-C-T.
Other names: c.*4600C>T (NM_001014436.3, NM_001122956.2, NM_001284313.2 and 3 more transcripts); short protein forms R5H.
Identifiers: ClinVar variation 2184837 (VCV002184837.5), dbSNP rs756010000, ClinGen allele CA4236702.
Genomic context (GRCh38, chr7:44,065,516, plus strand): 5'-CAGCCACAGAAACGGTTCTCCTGGTTCCATGTGCTCTCGCCGTGCCGGACCATCACGAGG[C>T]GGTGAGTGGCCATGGTGGCAGCAGGGACCACAGAGGACTCTGGACGGGGACGGCTGCTTC-3'
Protein context (NP_000281.2, residues 1-15): MATH[Arg5His]LVMVRHGEST

ClinVar aggregate classification (germline): Uncertain significance. Review status: criteria provided, multiple submitters, no conflicts (2 of 4 stars). 2 submissions from 2 submitters: Uncertain significance (2). Last evaluated 2024-04-12.

Conditions:
Glycogen storage disease type X (GSD10). Also called: Glycogen storage disease due to phosphoglycerate mutase deficiency; PGAMM DEFICIENCY; PHOSPHOGLYCERATE MUTASE, MUSCLE, DEFICIENCY OF; Dimauro disease; GSD X; MYOPATHY DUE TO PHOSPHOGLYCERATE MUTASE DEFICIENCY. Identifiers: Orphanet 97234, MedGen C0268149, MONDO:0009865, OMIM 261670.

Allele frequency attached by ClinVar (database versions not stated): ExAC 0.00001; gnomAD 0.00001; gnomAD exomes 0.00002; TOPMed 0.00006.
gnomAD v4.1: 33 of 1,613,854 alleles (0.002%); highest among the groups gnomAD compares: Middle Eastern, 0.016%; no homozygotes.

Submissions (2):

GeneDx
Classification: Uncertain significance. Last evaluated: 2024-04-12. Review status: criteria provided, single submitter. Criteria: GeneDx Variant Classification Process June 2021. Collection method: clinical testing. Allele origin: germline. Affected: yes.
Comment: Reported in a patient with an unclassified glycogen storage disorder; however, only limited clinical information was provided and an additional variant was not reported (PMID: 33782433); Not observed at significant frequency in large population cohorts (gnomAD); In silico analysis supports that this missense variant has a deleterious effect on protein structure/function; This variant is associated with the following publications: (PMID: 33782433)

Labcorp Genetics (formerly Invitae), Labcorp
Classification: Uncertain significance for Glycogen storage disease type X. Last evaluated: 2022-03-29. Review status: criteria provided, single submitter. Criteria: Invitae Variant Classification Sherloc (09022015). Collection method: clinical testing. Allele origin: germline.
Comment: In summary, the available evidence is currently insufficient to determine the role of this variant in disease. Therefore, it has been classified as a Variant of Uncertain Significance. Algorithms developed to predict the effect of missense changes on protein structure and function are either unavailable or do not agree on the potential impact of this missense change (SIFT: "Deleterious"; PolyPhen-2: "Possibly Damaging"; Align-GVGD: "Class C0"). This missense change has been observed in individual(s) with clinical features of glycogen storage disease (PMID: 33782433). This variant is present in population databases (rs756010000, gnomAD 0.006%). This sequence change replaces arginine, which is basic and polar, with histidine, which is basic and polar, at codon 5 of the PGAM2 protein (p.Arg5His).

Literature cited by the submitters: PubMed 33782433 (cited by Labcorp Genetics (formerly Invitae), Labcorp).